The following is an entry in ClinVar:

NM_006158.5(NEFL):c.18C>G (p.Tyr6Ter)

Gene: NEFL (neurofilament light chain; minus strand). Cytogenetic location: 8p21.2.
Variant type: single nucleotide variant.
Coding change: c.18C>G on transcript NM_006158.5 (MANE Select); coding-DNA position 18, C replaced by G.
Protein change: p.Tyr6Ter; replaces tyrosine 6 with a stop codon.
Molecular consequence: nonsense.
Genome position (GRCh38, 1-based): chr8:24,956,498, G>C on the plus strand (C>G on the coding strand, the complement: NEFL is on the minus strand). VCF-style: chr8-24956498-G-C. GRCh37 (hg19) VCF-style: chr8-24814012-G-C.
Other names: c.18C>G (NM_006158.4); short protein forms Y6*.
Identifiers: ClinVar variation 1333320 (VCV001333320.2), dbSNP rs2117256073, ClinGen allele CA370624299.

ClinVar aggregate classification (germline): Pathogenic/Likely pathogenic. Review status: criteria provided, multiple submitters, no conflicts (2 of 4 stars). 2 submissions from 2 submitters: Pathogenic (1); Likely pathogenic (1). Last evaluated 2022-09-02.

Conditions:
Charcot-Marie-Tooth disease type 1F. Also called: CHARCOT-MARIE-TOOTH NEUROPATHY, TYPE 1F; Charcot-Marie-Tooth disease, demyelinating, type 1f. Identifiers: Orphanet 101085, MedGen C1843164, MONDO:0011902, OMIM 607734.

Allele frequency attached by ClinVar (database versions not stated): gnomAD exomes below 0.00001.
gnomAD v4.1: 2 of 1,597,420 alleles (0.00013%); highest among the groups gnomAD compares: Non-Finnish European, 0.00017%; no homozygotes.

Submissions (2):

Victorian Clinical Genetics Services, Murdoch Childrens Research Institute
Classification: Likely pathogenic for Charcot-Marie-Tooth disease type 1F. Last evaluated: 2022-09-02. Review status: criteria provided, single submitter. Criteria: ACMG Guidelines, 2015. Collection method: clinical testing. Allele origin: germline. Affected: yes.
Comment: Based on the classification scheme VCGS_Germline_v1.3.4, this variant is classified as Likely pathogenic. Following criteria are met: 0102 - Loss of function is a known mechanism of disease in this gene and is associated with Charcot-Marie-Tooth disease, type G (MIM #617882), type 1F (MIM#607734) and type 2E (MIM#607684). (I) 0108 - This gene is associated with both recessive and dominant disease. Missense variants and truncating variants in the C-terminus have been reported to cause dominant disease, while biallelic truncating variants predicted to undergo nonsense-mediated decay cause recessive disease (PMID: 29888333). (I) 0204 - Variant is predicted to result in a truncated protein (premature termination codon is located within the first 102 nucleotides of the coding sequence and is predicted to escape nonsense-mediated decay). (SP) 0251 - This variant is heterozygous. (I) 0301 - Variant is absent from gnomAD (both v2 and v3). (SP) 0703 - Two other 5' NMD escape variants comparable to the one identified in this case have moderate previous evidence for pathogenicity (ClinVar). (SP) 0803 - This variant has limited previous evidence of pathogenicity in an unrelated individual. This variant has been reported once as pathogenic in a homozygous individual with polyneuropathy (ClinVar). (SP) 0905 - No published segregation evidence has been identified for this variant. (I) 1007 - No published functional evidence has been identified for this variant. (I) 1208 - Inheritance information for this variant is not currently available in this individual. (I) Legend: (SP) - Supporting pathogenic, (I) - Information, (SB) - Supporting benign

3billion
Classification: Pathogenic for Charcot-Marie-Tooth disease type 1F. Last evaluated: 2022-01-03. Review status: criteria provided, single submitter. Criteria: ACMG Guidelines, 2015. Collection method: clinical testing. Allele origin: germline. Affected: yes. Observed: 1 homozygote.
Comment: Stop-gained (nonsense): predicted to result in a loss or disruption of normal protein function through nonsense-mediated decay (NMD) or protein truncation. Multiple pathogenic variants are reported downstream of the variant (PVS1_VS). It is not observed in the gnomAD v2.1.1 dataset (PM2_M). Patient’s phenotype is considered compatible with NEFL-related disorder (PP4_P). Therefore, this variant is classified as pathogenic according to the recommendation of ACMG/AMP guideline.

Literature cited by the submitters: PubMed 29888333 (cited by Victorian Clinical Genetics Services, Murdoch Childrens Research Institute).